The following is an entry in ClinVar:

NM_005629.4(SLC6A8):c.952G>A (p.Ala318Thr)

Gene: SLC6A8 (solute carrier family 6 member 8; plus strand). Cytogenetic location: Xq28.
Variant type: single nucleotide variant.
Coding change: c.952G>A on transcript NM_005629.4 (MANE Select); coding-DNA position 952, G replaced by A.
Protein change: p.Ala318Thr; replaces alanine 318 with threonine.
Molecular consequence: missense variant.
Genome position (GRCh38, 1-based): chrX:153,693,302, G>A. VCF-style: chrX-153693302-G-A. GRCh37 (hg19) VCF-style: chrX-152958757-G-A.
Other names: NM_001142805.2:c.952G>A; c.952G>A, p.Ala318Thr (NM_001142805.2); c.607G>A, p.Ala203Thr (NM_001142806.1); short protein forms A203T, A318T.
Identifiers: ClinVar variation 3066433 (VCV003066433.2), dbSNP rs373953317, ClinGen allele CA10549369.
Genomic context (GRCh38, chrX:153,693,302, plus strand): 5'-CGCTCTCCGGCCCTTCTCTAGGTGTGGATAGATGCGGGGACCCAGATTTTCTTTTCTTAC[G>A]CCATTGGCCTGGGGGCCCTCACAGCCCTGGGCAGCTACAACCGCTTCAACAACAACTGCT-3'
Protein context (NP_005620.1, residues 308-328): DAGTQIFFSY[Ala318Thr]IGLGALTALG

ClinVar aggregate classification (germline): Uncertain significance (3 of 4 stars; one submission).

Conditions:
Creatine transporter deficiency (CCDS1). Also called: Mental retardation , X-linked with seizures, short stature and midface hypoplasia; Mental retardation , X-linked, with creatine transport deficiency; X-linked creatine transporter deficiency; X-linked creatine deficiency syndrome; SLC6A8-Related Creatine Transporter Deficiency; CREATINE TRANSPORTER DEFECT. Identifiers: Orphanet 52503, MedGen C1845862, MONDO:0010305, OMIM 300352.

Allele frequency attached by ClinVar (database versions not stated): gnomAD exomes below 0.00001; ExAC 0.00001; gnomAD 0.00001; TOPMed 0.00001; ESP Exome Variant Server 0.00009.
gnomAD v4.1: 2 of 1,209,954 alleles (0.00017%); highest among the groups gnomAD compares: East Asian, 0.003%; no homozygotes.

Submission:

ClinGen Cerebral Creatine Deficiency Syndromes Variant Curation Expert Panel, ClinGen
Classification: Uncertain significance for Creatine transporter deficiency. Last evaluated: 2026-04-29. Review status: reviewed by expert panel. Criteria: ClinGen_CCDS_ACMG_Specifications_SLC6A8_v1.1. Collection method: curation. Allele origin: germline. Inheritance: X-linked inheritance.
Comment: The NM_005629.4:c.952G>A variant in SLC6A8 is a missense variant that is predicted to lead to the substitution of an alanine for a threonine at amino acid position 318 (p.Ala318Thr). This variant has been previously reported in one heterozygous female from the Exome Variant Server database (PMID: 25861866), without additional phenotypic information available; thus, PS4, PP4, and BS2 are all not met. This variant was reported to result in 78% of wild-type activity when transfected into HeLa cells (PMID: 25861866); as this assay is not among the assays approved for PS3/BS3 by the CCDS VCEP, neither PS3 nor BS3 is met. The variant is absent in gnomAD v2.1.1. (PM2_Supporting). The computational predictor REVEL gives a score of 0.788 which is above the threshold of 0.75, evidence that correlates with impact to SLC6A8 function (PP3). In summary, this variant meets criteria to be classified as a variant of uncertain significance for creatine transporter deficiency. SLC6A8-specific criteria applied, as specified by the ClinGen CCDS VCEP (Specifications Version 1.2.0): PP3. (Classification approved by the ClinGen Cerebral Creatine Deficiency Syndromes Variant Curation Expert Panel on April 29, 2026).